The following is an entry in ClinVar:

ClinVar aggregate classification (germline): Pathogenic/Likely pathogenic. Review status: criteria provided, multiple submitters, no conflicts (2 of 4 stars). 7 submissions from 7 submitters: Pathogenic (3); Likely pathogenic (2). 2 of the submissions do not count toward it. Last evaluated 2026-01-19.

Conditions:
Autosomal recessive osteopetrosis 1. Also called: TCIRG1-Related Autosomal Recessive Osteopetrosis; TCIRG1-Related Osteopetrosis; ALBERS-SCHONBERG DISEASE, AUTOSOMAL RECESSIVE. Identifiers: Orphanet 667, MedGen C1850127, MONDO:0009815, OMIM 259700.
TCIRG1-related disorder. Also called: TCIRG1-related condition.

Submissions (7):

Labcorp Genetics (formerly Invitae), Labcorp
Classification: Pathogenic. Last evaluated: 2026-01-19. Review status: criteria provided, single submitter. Criteria: Invitae Variant Classification Sherloc (09022015). Collection method: clinical testing. Allele origin: germline.
Comment: This sequence change creates a premature translational stop signal (p.Val631Trpfs*56) in the TCIRG1 gene. It is expected to result in an absent or disrupted protein product. Loss-of-function variants in TCIRG1 are known to be pathogenic (PMID: 10888887, 10942435, 11532986, 19448635). This variant is present in population databases (no rsID available, gnomAD 0.002%). This premature translational stop signal has been observed in individual(s) with osteopetrosis (PMID: 22231430). This variant is also known as c.1878delG (p.Val630Trpfsx56). ClinVar contains an entry for this variant (Variation ID: 555837). Algorithms developed to predict the effect of sequence changes on RNA splicing suggest that this variant may create or strengthen a splice site. For these reasons, this variant has been classified as Pathogenic.

Natera, Inc.
Classification: Pathogenic for Infantile malignant osteopetrosis. Last evaluated: 2025-03-13. Review status: criteria provided, single submitter. Criteria: Natera Variant Classification Schema (03/2026). Collection method: clinical testing. Allele origin: germline.
Comment: The c.1891delG variant in TCIRG1 is a frameshift variant predicted to shift the reading frame beginning at codon 631 and leads to a stop codon 56 codons downstream. This variant is expected to result in nonsense mediated decay, truncation, or a dysfunctional protein product. This variant is rare in the general population with a frequency below the threshold expected for the associated phenotype(s). This variant has been observed in one or more individuals affected with the associated recessive disease, as either homozygous or compound heterozygous with a second variant (PMID: 18715141). Given the available evidence, this variant is classified as Pathogenic.

GeneDx
Classification: Likely pathogenic. Last evaluated: 2024-02-18. Review status: criteria provided, single submitter. Criteria: GeneDx Variant Classification Process June 2021. Collection method: clinical testing. Allele origin: germline. Affected: yes.
Comment: Reported in published literature an individual with severe osteopetrosis; however, additional information including zygosity or familial studies were not reported (PMID: 22231430); Frameshift variant predicted to result in protein truncation or nonsense mediated decay in a gene for which loss of function is a known mechanism of disease; Not observed at significant frequency in large population cohorts (gnomAD); This variant is associated with the following publications: (PMID: 11532986, 10888887, 10942435, 19448635, 34203247, 22231430)

Baylor Genetics
Classification: Pathogenic for Autosomal recessive osteopetrosis 1. Last evaluated: 2023-07-29. Review status: criteria provided, single submitter. Criteria: ACMG Guidelines, 2015. Collection method: clinical testing. Allele origin: unknown.

Fulgent Genetics
Classification: Likely pathogenic for Autosomal recessive osteopetrosis 1. Last evaluated: 2021-10-29. Review status: criteria provided, single submitter. Criteria: ACMG Guidelines, 2015. Collection method: clinical testing. Allele origin: unknown.

PreventionGenetics, part of Exact Sciences
Classification: Pathogenic for TCIRG1-related condition. Last evaluated: 2024-09-19. Review status: no assertion criteria provided. Collection method: clinical testing. Allele origin: germline. Not counted in ClinVar's aggregate classification.
Comment: The TCIRG1 c.1891delG variant is predicted to result in a frameshift and premature protein termination (p.Val632Serfs*55). This variant has been reported in the homozygous state in a cohort study of autosomal recessive osteopetrosis (Reported as c.1878delG, p.Val630TrpfsX56, Pangrazio et al. 2012. PubMed ID: 22231430). This variant is reported in 0.0019% of alleles in individuals of European (Non-Finnish) descent in gnomAD. Frameshift variants in TCIRG1 are expected to be pathogenic. This variant is interpreted as pathogenic.

Counsyl
Classification: Likely pathogenic for Autosomal recessive osteopetrosis 1. Last evaluated: 2017-12-22. Review status: no assertion criteria provided. Collection method: clinical testing. Allele origin: unknown. Not counted in ClinVar's aggregate classification.

Literature cited by the submitters: PubMed 10888887 (cited by Labcorp Genetics (formerly Invitae), Labcorp); PubMed 10942435 (cited by Labcorp Genetics (formerly Invitae), Labcorp); PubMed 11532986 (cited by Labcorp Genetics (formerly Invitae), Labcorp); PubMed 19448635 (cited by Labcorp Genetics (formerly Invitae), Labcorp); PubMed 22231430 (cited by Labcorp Genetics (formerly Invitae), Labcorp and Counsyl); PubMed 18715141 (cited by Natera, Inc.).

NM_006019.4(TCIRG1):c.1891del (p.Val631fs)

Gene: TCIRG1 (T cell immune regulator 1, ATPase H+ transporting V0 subunit a3; plus strand). Cytogenetic location: 11q13.2.
Variant type: Deletion.
Coding change: c.1891del on transcript NM_006019.4 (MANE Select); coding-DNA position 1891, one base deleted (G; older notation c.1891delG).
Protein change: p.Val631fs; shifts the reading frame from valine 631.
Molecular consequence: frameshift variant.
Genome position (GRCh38, 1-based): chr11:68,049,666, G deleted; the last of 2 consecutive G bases (chr11:68,049,665-68,049,666); deleting either gives the same sequence. VCF-style (leftmost placement, unchanged base first): chr11-68049664-AG-A. GRCh37 (hg19) VCF-style: chr11-67817131-AG-A.
Other names: c.1891del (NM_006019.3); c.997del, p.Val333fs (NM_001351059.2); c.1243del, p.Val415fs (NM_006053.4); short protein forms V415fs, V631fs, V333fs.
Identifiers: ClinVar variation 555837 (VCV000555837.19), dbSNP rs1300297240, ClinGen allele CA600238461.